The following is an entry in ClinVar:

NM_015425.6(POLR1A):c.1082_1085delinsT (p.Asp361_Glu362delinsVal)

Gene: POLR1A (RNA polymerase I subunit A; minus strand). Cytogenetic location: 2p11.2.
Variant type: Indel.
Coding change: c.1082_1085delinsT on transcript NM_015425.6 (MANE Select); coding-DNA positions 1082 to 1085, ATGA replaced by T.
Protein change: p.Asp361_Glu362delinsVal.
Molecular consequence: inframe indel.
Genome position (GRCh38, 1-based): chr2:86,080,817-86,080,820, TCAT replaced by A on the plus strand (ATGA replaced by T on the coding strand, the reverse complement: POLR1A is on the minus strand). VCF-style: chr2-86080817-TCAT-A. GRCh37 (hg19) VCF-style: chr2-86307940-TCAT-A.
Identifiers: ClinVar variation 3369830 (VCV003369830.1).

ClinVar aggregate classification (germline): Uncertain significance (1 of 4 stars; one submission).

Submission:

GeneDx
Classification: Uncertain significance. Last evaluated: 2024-02-26. Review status: criteria provided, single submitter. Criteria: GeneDx Variant Classification Process June 2021. Collection method: clinical testing. Allele origin: germline. Affected: yes.
Comment: Not observed at significant frequency in large population cohorts (gnomAD); In-frame deletion of 2 amino acids and insertion of 1 amino acids in a non-repeat region; In silico analysis supports a deleterious effect on splicing; Has not been previously published as pathogenic or benign to our knowledge